The following is an entry in ClinVar:

ClinVar aggregate classification (germline): Uncertain significance (1 of 4 stars; one submission).

Conditions:
Perlman syndrome (PRLMNS). Identifiers: Orphanet 2849, MedGen C0796113, MONDO:0009965, OMIM 267000.

Submission:

Labcorp Genetics (formerly Invitae), Labcorp
Classification: Uncertain significance for Perlman syndrome. Last evaluated: 2022-04-20. Review status: criteria provided, single submitter. Criteria: Invitae Variant Classification Sherloc (09022015). Collection method: clinical testing. Allele origin: germline.
Comment: In summary, the available evidence is currently insufficient to determine the role of this variant in disease. Therefore, it has been classified as a Variant of Uncertain Significance. Algorithms developed to predict the effect of missense changes on protein structure and function (SIFT, PolyPhen-2, Align-GVGD) all suggest that this variant is likely to be disruptive. This variant has not been reported in the literature in individuals affected with DIS3L2-related conditions. This variant is not present in population databases (gnomAD no frequency). This sequence change replaces phenylalanine, which is neutral and non-polar, with valine, which is neutral and non-polar, at codon 699 of the DIS3L2 protein (p.Phe699Val).

NM_152383.5(DIS3L2):c.2095T>G (p.Phe699Val)

Gene: DIS3L2 (DIS3 like 3'-5' exoribonuclease 2; plus strand). Cytogenetic location: 2q37.1.
Variant type: single nucleotide variant.
Coding change: c.2095T>G on transcript NM_152383.5 (MANE Select); coding-DNA position 2095, T replaced by G.
Protein change: p.Phe699Val; replaces phenylalanine 699 with valine.
Molecular consequence: missense variant. On other transcripts: non-coding transcript variant (2), intron variant (1).
Genome position (GRCh38, 1-based): chr2:232,333,924, T>G. VCF-style: chr2-232333924-T-G. GRCh37 (hg19) VCF-style: chr2-233198634-T-G.
Other names: c.1582-9421T>G (NM_001257281.2); short protein forms F699V.
Identifiers: ClinVar variation 2128384 (VCV002128384.4), dbSNP rs2469446542, ClinGen allele CA350977466.